The following is an entry in ClinVar:

ClinVar aggregate classification (germline): Likely benign (0 of 4 stars; one submission).

Conditions:
KIF1A-related disorder. Also called: KIF1A-related disorders; KIF1A-related condition.

Submission:

PreventionGenetics, part of Exact Sciences
Classification: Likely benign for KIF1A-related condition. Last evaluated: 2021-12-06. Review status: no assertion criteria provided. Collection method: clinical testing. Allele origin: germline.
Comment: This variant is classified as likely benign based on ACMG/AMP sequence variant interpretation guidelines (Richards et al. 2015 PMID: 25741868, with internal and published modifications).

NM_001244008.2(KIF1A):c.363+6A>C

Gene: KIF1A (kinesin family member 1A; minus strand). Cytogenetic location: 2q37.3.
Variant type: single nucleotide variant.
Coding change: c.363+6A>C on transcript NM_001244008.2 (MANE Select); 6 bases into the intron after coding-DNA position 363, A replaced by C.
Molecular consequence: intron variant.
Genome position (GRCh38, 1-based): chr2:240,788,045, T>G on the plus strand (A>C on the coding strand, the complement: KIF1A is on the minus strand). VCF-style: chr2-240788045-T-G. GRCh37 (hg19) VCF-style: chr2-241727462-T-G.
Other names: c.363+6A>C (NM_001379653.1, NM_001379650.1, NM_001379645.1 and 20 more transcripts).
Identifiers: ClinVar variation 3040816 (VCV003040816.2), dbSNP rs1295567779, ClinGen allele CA2664003038.
Genomic context (GRCh38, chr2:240,788,045, plus strand): 5'-GCTCTCAGCCTCAGCTGGTCCCGCCCCATCTGCCAGGGCTGCCCCCGCCCGCCCCCCGCT[T>G]CGTGCCTGTGGGATGATGCCCTGCTGGTCCTTCTCCTGCTTGCCCATCATGGTGTAGGAC-3'